The following is an entry in ClinVar:

NM_000313.4(PROS1):c.2000C>T (p.Pro667Leu)

Gene: PROS1 (protein S; minus strand). Cytogenetic location: 3q11.1.
Variant type: single nucleotide variant.
Coding change: c.2000C>T on transcript NM_000313.4 (MANE Select); coding-DNA position 2000, C replaced by T.
Protein change: p.Pro667Leu; replaces proline 667 with leucine.
Molecular consequence: missense variant.
Genome position (GRCh38, 1-based): chr3:93,874,276, G>A on the plus strand (C>T on the coding strand, the complement: PROS1 is on the minus strand). VCF-style: chr3-93874276-G-A. GRCh37 (hg19) VCF-style: chr3-93593120-G-A.
Other names: p.Pro667Leu; c.2096C>T, p.Pro699Leu (NM_001314077.2); short protein forms P667L, P699L.
Identifiers: ClinVar variation 3380970 (VCV003380970.2).
Genomic context (GRCh38, chr3:93,874,276, plus strand): 5'-AAAGGTATTATAAGCAGAGAAAAGATGCCTTAAGAATTCTTTGTCTTTTTCCAAACTGAT[G>A]GACATGAGTGAGCTCTAATATCATTATGTTTAGAAATGGCTTCATCCAGATCCAACTGTA-3'
Protein context (NP_000304.2, residues 657-676): KHNDIRAHSC[Pro667Leu]SVWKKTKNS

ClinVar aggregate classification (germline): Pathogenic. Review status: criteria provided, multiple submitters, no conflicts (2 of 4 stars). 3 submissions from 3 submitters: Pathogenic (2). 1 of the submissions does not count toward it. Last evaluated 2025-11-17.

Conditions:
Thrombophilia due to protein S deficiency, autosomal dominant (THPH5). Identifiers: Orphanet 26349, Orphanet 743, MedGen C3278211, MONDO:0012868, OMIM 612336. Disease mechanism: loss of function.
Thrombophilia due to protein S deficiency, autosomal recessive (THPH6). Identifiers: Orphanet 743, MedGen C3281092, MONDO:0013791, OMIM 614514. Disease mechanism: loss of function.

gnomAD v4.1: 4 of 1,613,382 alleles (0.00025%); highest among the groups gnomAD compares: African/African-American, 0.0013%; no homozygotes.

Submissions (3):

Labcorp Genetics (formerly Invitae), Labcorp
Classification: Pathogenic for Thrombophilia due to protein S deficiency, autosomal recessive. Last evaluated: 2025-11-17. Review status: criteria provided, single submitter. Criteria: Invitae Variant Classification Sherloc (09022015). Collection method: clinical testing. Allele origin: germline.
Comment: This sequence change replaces proline, which is neutral and non-polar, with leucine, which is neutral and non-polar, at codon 667 of the PROS1 protein (p.Pro667Leu). This variant is present in population databases (no rsID available, gnomAD 0.007%). A different variant (c.2000_2001delinsTG) giving rise to the same protein effect has been determined to be pathogenic (PMID: 10790208, 20181378, 29748776, 30669159; internal data). This suggests that this variant is also likely to be causative of disease. ClinVar contains an entry for this variant (Variation ID: 3380970). Invitae Evidence Modeling of protein sequence and biophysical properties (such as structural, functional, and spatial information, amino acid conservation, physicochemical variation, residue mobility, and thermodynamic stability) indicates that this missense variant is expected to disrupt PROS1 protein function with a positive predictive value of 80%. For these reasons, this variant has been classified as Pathogenic.

Mayo Clinic Laboratories, Mayo Clinic
Classification: Pathogenic. Last evaluated: 2023-07-21. Review status: criteria provided, single submitter. Criteria: ACMG Guidelines, 2015. Collection method: clinical testing. Allele origin: germline. Observed: 1 variant allele.
Comment: PP3, PM1, PM2_moderate, PS3, PS4_moderate

Department of Transfusion Medicine and Hemostaseology, University Hospital Erlangen
Classification: Likely pathogenic for Thrombophilia due to protein S deficiency, autosomal dominant. Last evaluated: 2025-09-01. Review status: no assertion criteria provided. Collection method: clinical testing. Allele origin: germline. Not counted in ClinVar's aggregate classification.
Comment: This variant was identified during a screening of patients with suspected hereditary Protein S deficiency. It has been described in the literature as correlating with protein S deficiency (PMID: 10607700) and has been characterized in vitro as causative for Protein S deficiency (PMID: 10607700). No allele frequency is reported in dbSNP. While PolyPhen-2 and SIFT classify this variant as likely pathogenic, it is classified as of uncertain significance by AlphaMissense. Taken together, we classified this variant as likely pathogenic.

Literature cited by the submitters: PubMed 10790208 (cited by Labcorp Genetics (formerly Invitae), Labcorp and Mayo Clinic Laboratories, Mayo Clinic); PubMed 20181378 (cited by Labcorp Genetics (formerly Invitae), Labcorp and Mayo Clinic Laboratories, Mayo Clinic); PubMed 29748776 (cited by Labcorp Genetics (formerly Invitae), Labcorp and Mayo Clinic Laboratories, Mayo Clinic); PubMed 30669159 (cited by Labcorp Genetics (formerly Invitae), Labcorp and Mayo Clinic Laboratories, Mayo Clinic); PubMed 10607700 (cited by Mayo Clinic Laboratories, Mayo Clinic and Department of Transfusion Medicine and Hemostaseology, University Hospital Erlangen); PubMed 15238143 (cited by Mayo Clinic Laboratories, Mayo Clinic); PubMed 25272994 (cited by Mayo Clinic Laboratories, Mayo Clinic); PubMed 27766527 (cited by Mayo Clinic Laboratories, Mayo Clinic); PubMed 32886527 (cited by Mayo Clinic Laboratories, Mayo Clinic).